The following is an entry in ClinVar:

NM_000237.3(LPL):c.202C>T (p.His68Tyr)

Gene: LPL (lipoprotein lipase; plus strand). Cytogenetic location: 8p21.3.
Variant type: single nucleotide variant.
Coding change: c.202C>T on transcript NM_000237.3 (MANE Select); coding-DNA position 202, C replaced by T.
Protein change: p.His68Tyr; replaces histidine 68 with tyrosine.
Molecular consequence: missense variant.
Genome position (GRCh38, 1-based): chr8:19,948,293, C>T. VCF-style: chr8-19948293-C-T. GRCh37 (hg19) VCF-style: chr8-19805804-C-T.
Other names: short protein forms H68Y.
Identifiers: ClinVar variation 4859250 (VCV004859250.1).

ClinVar aggregate classification (germline): Uncertain significance (1 of 4 stars; one submission).

Conditions:
Cardiovascular phenotype. Identifiers: MedGen CN230736.

Submission:

Ambry Genetics
Classification: Uncertain significance for Cardiovascular phenotype. Last evaluated: 2026-05-08. Review status: criteria provided, single submitter. Criteria: Ambry Variant Classification Scheme 2023. Collection method: clinical testing. Allele origin: germline.
Comment: The p.H68Y variant (also known as c.202C>T), located in coding exon 2 of the LPL gene, results from a C to T substitution at nucleotide position 202. The histidine at codon 68 is replaced by tyrosine, an amino acid with similar properties. This amino acid position is not well conserved in available vertebrate species. In addition, this alteration is predicted to be tolerated by in silico analysis. Based on the available evidence, the clinical significance of this variant remains unclear.